The following is an entry in ClinVar:

ClinVar aggregate classification (germline): Uncertain significance. Review status: criteria provided, multiple submitters, no conflicts (2 of 4 stars). 3 submissions from 3 submitters: Uncertain significance (2). 1 of the submissions does not count toward it. Last evaluated 2023-12-15.

Conditions:
TTC8-related disorder. Also called: TTC8-related condition.
Bardet-Biedl syndrome (BBS). Identifiers: Orphanet 110, MedGen C0752166, MONDO:0015229.

Allele frequency attached by ClinVar (database versions not stated): gnomAD exomes 0.00001 and 0.00002; ExAC 0.00003; gnomAD 0.00003 and 0.00004.
gnomAD v4.1: 22 of 1,613,576 alleles (0.0014%); highest among the groups gnomAD compares: East Asian, 0.027%; no homozygotes.

Submissions (3):

Blueprint Genetics
Classification: Uncertain significance. Last evaluated: 2023-12-15. Review status: criteria provided, single submitter. Criteria: ACMG Guidelines, 2015. Collection method: clinical testing. Allele origin: germline.

Labcorp Genetics (formerly Invitae), Labcorp
Classification: Uncertain significance for Bardet-Biedl syndrome. Last evaluated: 2022-07-20. Review status: criteria provided, single submitter. Criteria: Invitae Variant Classification Sherloc (09022015). Collection method: clinical testing. Allele origin: germline.
Comment: This variant has not been reported in the literature in individuals affected with TTC8-related conditions. In summary, the available evidence is currently insufficient to determine the role of this variant in disease. Therefore, it has been classified as a Variant of Uncertain Significance. Algorithms developed to predict the effect of sequence changes on RNA splicing suggest that this variant may create or strengthen a splice site. Algorithms developed to predict the effect of missense changes on protein structure and function are either unavailable or do not agree on the potential impact of this missense change (SIFT: "Deleterious"; PolyPhen-2: "Probably Damaging"; Align-GVGD: "Class C0"). ClinVar contains an entry for this variant (Variation ID: 1408233). This variant is present in population databases (rs779617849, gnomAD 0.02%). This sequence change replaces arginine, which is basic and polar, with glutamine, which is neutral and polar, at codon 341 of the TTC8 protein (p.Arg341Gln).

PreventionGenetics, part of Exact Sciences
Classification: Uncertain significance for TTC8-related condition. Last evaluated: 2024-01-28. Review status: no assertion criteria provided. Collection method: clinical testing. Allele origin: germline. Not counted in ClinVar's aggregate classification.
Comment: The TTC8 c.1052G>A variant is predicted to result in the amino acid substitution p.Arg351Gln. To our knowledge, this variant has not been reported in the literature. This variant is reported in 0.015% of alleles in individuals of East Asian descent in gnomAD. At this time, the clinical significance of this variant is uncertain due to the absence of conclusive functional and genetic evidence.

NM_144596.4(TTC8):c.1052G>A (p.Arg351Gln)

Gene: TTC8 (tetratricopeptide repeat domain 8; plus strand). Cytogenetic location: 14q31.3.
Variant type: single nucleotide variant.
Coding change: c.1052G>A on transcript NM_144596.4 (MANE Select); coding-DNA position 1052, G replaced by A.
Protein change: p.Arg351Gln; replaces arginine 351 with glutamine.
Molecular consequence: missense variant. On other transcripts: non-coding transcript variant (1).
Genome position (GRCh38, 1-based): chr14:88,871,551, G>A. VCF-style: chr14-88871551-G-A. GRCh37 (hg19) VCF-style: chr14-89337895-G-A.
Other names: c.1052G>A (NM_144596.3); c.1100G>A, p.Arg367Gln (NM_001288781.1); c.458G>A, p.Arg153Gln (NM_001288782.1); c.335G>A, p.Arg112Gln (NM_001288783.1); c.1022G>A, p.Arg341Gln (NM_001366535.2, NM_198309.3); c.932G>A, p.Arg311Gln (NM_001366536.2, NM_198310.3); short protein forms R351Q, R153Q, R341Q, R112Q, R311Q, R367Q.
Identifiers: ClinVar variation 1408233 (VCV001408233.9), dbSNP rs779617849, ClinGen allele CA7302666.